The following is an entry in ClinVar:

ClinVar aggregate classification (germline): Uncertain significance (1 of 4 stars; one submission).

Allele frequency attached by ClinVar (database versions not stated): gnomAD exomes below 0.00001.
gnomAD v4.1: 3 of 1,613,748 alleles (0.00019%); highest among the groups gnomAD compares: Non-Finnish European, 0.00025%; no homozygotes.

Submission:

Labcorp Genetics (formerly Invitae), Labcorp
Classification: Uncertain significance. Last evaluated: 2022-07-05. Review status: criteria provided, single submitter. Criteria: Invitae Variant Classification Sherloc (09022015). Collection method: clinical testing. Allele origin: germline.
Comment: This sequence change replaces valine, which is neutral and non-polar, with alanine, which is neutral and non-polar, at codon 281 of the WISP3 protein (p.Val281Ala). In summary, the available evidence is currently insufficient to determine the role of this variant in disease. Therefore, it has been classified as a Variant of Uncertain Significance. Algorithms developed to predict the effect of missense changes on protein structure and function output the following: SIFT: "Tolerated"; PolyPhen-2: "Benign"; Align-GVGD: "Class C0". The alanine amino acid residue is found in multiple mammalian species, which suggests that this missense change does not adversely affect protein function. ClinVar contains an entry for this variant (Variation ID: 1680473). This variant has not been reported in the literature in individuals affected with WISP3-related conditions. The frequency data for this variant in the population databases is considered unreliable, as metrics indicate poor data quality at this position in the gnomAD database.

NM_198239.2(CCN6):c.842T>C (p.Val281Ala)

Gene: CCN6 (cellular communication network factor 6; plus strand). Cytogenetic location: 6q21.
Variant type: single nucleotide variant.
Coding change: c.842T>C on transcript NM_198239.2 (MANE Select); coding-DNA position 842, T replaced by C.
Protein change: p.Val281Ala; replaces valine 281 with alanine.
Molecular consequence: missense variant. On other transcripts: non-coding transcript variant (2).
Genome position (GRCh38, 1-based): chr6:112,069,397, T>C. VCF-style: chr6-112069397-T-C. GRCh37 (hg19) VCF-style: chr6-112390600-T-C.
Other names: c.842T>C, p.Val281Ala (NM_003880.4); short protein forms V281A.
Identifiers: ClinVar variation 1680473 (VCV001680473.8), dbSNP rs1554314704, ClinGen allele CA365375869.